The following is an entry in ClinVar:

ClinVar aggregate classification (germline): Uncertain significance. Review status: criteria provided, multiple submitters, no conflicts (2 of 4 stars). 2 submissions from 2 submitters: Uncertain significance (2). Last evaluated 2024-02-05.

Conditions:
Lynch syndrome. Identifiers: Orphanet 144, MedGen C4552100, MONDO:0005835. Disease mechanism: loss of function.
Hereditary nonpolyposis colorectal neoplasms. Identifiers: MedGen C0009405, MeSH D003123.

Submissions (2):

All of Us Research Program, National Institutes of Health
Classification: Uncertain significance for Lynch syndrome. Last evaluated: 2024-02-05. Review status: criteria provided, single submitter. Criteria: ACMG Guidelines, 2015. Collection method: clinical testing. Allele origin: germline. Inheritance: Autosomal dominant inheritance. Observed: 1 variant allele, 1 heterozygote.
Comment: This missense variant replaces proline with alanine at codon 59 of the MSH6 protein. Computational prediction suggests that this variant may not impact protein structure and function (internally defined REVEL score threshold <= 0.5, PMID: 27666373). To our knowledge, functional studies have not been reported for this variant. This variant has not been reported in individuals affected with MSH6-related disorders in the literature. This variant has not been identified in the general population by the Genome Aggregation Database (gnomAD). The available evidence is insufficient to determine the role of this variant in disease conclusively. Therefore, this variant is classified as a Variant of Uncertain Significance.

This study involves interpretation of variants in research participants for the purpose of population health screening. Participant phenotype was not available at the time of variant classification. Additional details can be found in publication PMID: 35346344, PMCID: PMC8962531

Labcorp Genetics (formerly Invitae), Labcorp
Classification: Uncertain significance for Hereditary nonpolyposis colorectal neoplasms. Last evaluated: 2022-06-29. Review status: criteria provided, single submitter. Criteria: Invitae Variant Classification Sherloc (09022015). Collection method: clinical testing. Allele origin: germline.
Comment: This variant has not been reported in the literature in individuals affected with MSH6-related conditions. This variant is not present in population databases (gnomAD no frequency). This sequence change replaces proline, which is neutral and non-polar, with alanine, which is neutral and non-polar, at codon 59 of the MSH6 protein (p.Pro59Ala). Advanced modeling of protein sequence and biophysical properties (such as structural, functional, and spatial information, amino acid conservation, physicochemical variation, residue mobility, and thermodynamic stability) performed at Invitae indicates that this missense variant is not expected to disrupt MSH6 protein function. In summary, the available evidence is currently insufficient to determine the role of this variant in disease. Therefore, it has been classified as a Variant of Uncertain Significance.

NM_000179.3(MSH6):c.175C>G (p.Pro59Ala)

Gene: MSH6 (mutS homolog 6; plus strand). Cytogenetic location: 2p16.3.
Variant type: single nucleotide variant.
Coding change: c.175C>G on transcript NM_000179.3 (MANE Select); coding-DNA position 175, C replaced by G.
Protein change: p.Pro59Ala; replaces proline 59 with alanine.
Molecular consequence: missense variant. On other transcripts: 5 prime UTR variant (1), synonymous variant (1).
Genome position (GRCh38, 1-based): chr2:47,783,408, C>G. VCF-style: chr2-47783408-C-G. GRCh37 (hg19) VCF-style: chr2-48010547-C-G.
Other names: c.175C>G, p.Pro59Ala (NM_001281492.2, NM_001406795.1, NM_001406796.1 and 9 more transcripts); c.-562C>G (NM_001281493.2, NM_001406811.1); c.-154C>G (NM_001406799.1); c.120C>G, p.Gly40= (NM_001406804.1); c.-754C>G (NM_001406807.1); c.-409C>G (NM_001406812.1); c.-820C>G (NM_001406814.1); c.-365C>G (NM_001406816.1); short protein forms P59A.
Identifiers: ClinVar variation 1947514 (VCV001947514.6), dbSNP rs761033647, ClinGen allele CA346735004.